The following is an entry in ClinVar:

ClinVar aggregate classification (germline): Uncertain significance (1 of 4 stars; one submission).

gnomAD v4.1: 1 of 1,614,112 alleles (0.000062%); highest among the groups gnomAD compares: South Asian, 0.0011%; no homozygotes.

Submission:

Ambry Genetics
Classification: Uncertain significance. Last evaluated: 2025-01-02. Review status: criteria provided, single submitter. Criteria: Ambry Variant Classification Scheme 2023. Collection method: clinical testing. Allele origin: germline.
Comment: The p.G762W variant (also known as c.2284G>T), located in coding exon 1 of the MLH3 gene, results from a G to T substitution at nucleotide position 2284. The glycine at codon 762 is replaced by tryptophan, an amino acid with highly dissimilar properties. This amino acid position is conserved. In addition, the in silico prediction for this alteration is inconclusive. Based on the available evidence, the clinical significance of this variant remains unclear.

NM_001040108.2(MLH3):c.2284G>T (p.Gly762Trp)

Gene: MLH3 (mutL homolog 3; minus strand). Cytogenetic location: 14q24.3.
Variant type: single nucleotide variant.
Coding change: c.2284G>T on transcript NM_001040108.2 (MANE Select); coding-DNA position 2284, G replaced by T.
Protein change: p.Gly762Trp; replaces glycine 762 with tryptophan.
Molecular consequence: missense variant.
Genome position (GRCh38, 1-based): chr14:75,047,372, C>A on the plus strand (G>T on the coding strand, the complement: MLH3 is on the minus strand). VCF-style: chr14-75047372-C-A. GRCh37 (hg19) VCF-style: chr14-75514075-C-A.
Other names: c.2284G>T, p.Gly762Trp (NM_014381.3); short protein forms G762W.
Identifiers: ClinVar variation 3873485 (VCV003873485.1).